The following is an entry in ClinVar:

ClinVar aggregate classification (germline): Conflicting classifications of pathogenicity. Review status: criteria provided, conflicting classifications (1 of 4 stars). 2 submissions from 2 submitters: Uncertain significance (1); Likely benign (1). Last evaluated 2026-08-01.

Allele frequency attached by ClinVar (database versions not stated): 1000 Genomes Project 30x 0.00125; 1000 Genomes Project 0.00160; gnomAD 0.00396 and 0.00400; gnomAD exomes 0.00399 and 0.00532; TOPMed 0.00400; ESP Exome Variant Server 0.00415; ExAC 0.00420.
gnomAD v4.1: 8,364 of 1,613,852 alleles (0.52%); highest among the groups gnomAD compares: Non-Finnish European, 0.61%; 27 homozygotes.

Submissions (2):

CeGaT Center for Human Genetics Tuebingen
Classification: Likely benign. Last evaluated: 2026-08-01. Review status: criteria provided, single submitter. Criteria: CeGaT Center For Human Genetics Tuebingen Variant Classification Criteria Version 2. Collection method: clinical testing. Allele origin: germline. Affected: yes. Observed: 10 variant alleles.
Comment: SLC26A10P: BS2

Mendelics
Classification: Uncertain significance. Last evaluated: 2022-05-04. Review status: criteria provided, single submitter. Criteria: Mendelics Assertion Criteria 2019. Collection method: clinical testing. Allele origin: germline.

NM_001478.5(B4GALNT1):c.*2667C>T

Gene: B4GALNT1 (beta-1,4-N-acetyl-galactosaminyltransferase 1; minus strand). Cytogenetic location: 12q13.3.
Variant type: single nucleotide variant.
Coding change: c.*2667C>T on transcript NM_001478.5 (MANE Select); 2667 bases downstream of the stop codon, C replaced by T.
Molecular consequence: 3 prime UTR variant. On other transcripts: non-coding transcript variant (2).
Genome position (GRCh38, 1-based): chr12:57,624,077, G>A on the plus strand (C>T on the coding strand, the complement: B4GALNT1 is on the minus strand). VCF-style: chr12-57624077-G-A. GRCh37 (hg19) VCF-style: chr12-58017860-G-A.
Other names: c.*2667C>T (NM_001276468.2).
Identifiers: ClinVar variation 1686495 (VCV001686495.24), dbSNP rs113207856, ClinGen allele CA6655109.